The following is an entry in ClinVar:

NM_000492.4(CFTR):c.3825T>A (p.Asp1275Glu)

Genes: CFTR-AS2 (CFTR antisense RNA 2; minus strand), CFTR (CF transmembrane conductance regulator; plus strand). Cytogenetic location: 7q31.2.
Variant type: single nucleotide variant.
Coding change: c.3825T>A on transcript NM_000492.4 (MANE Select); coding-DNA position 3825, T replaced by A.
Protein change: p.Asp1275Glu; replaces aspartic acid 1275 with glutamic acid.
Molecular consequence: missense variant.
Genome position (GRCh38, 1-based): chr7:117,642,545, T>A. VCF-style: chr7-117642545-T-A. GRCh37 (hg19) VCF-style: chr7-117282599-T-A.
Other names: short protein forms D1275E.
Identifiers: ClinVar variation 4647622 (VCV004647622.1).
Genomic context (GRCh38, chr7:117,642,545, plus strand): 5'-AGCTTTTTTGAGACTACTGAACACTGAAGGAGAAATCCAGATCGATGGTGTGTCTTGGGA[T>A]TCAATAACTTTGCAACAGTGGAGGAAAGCCTTTGGAGTGATACCACAGGTGAGCAAAAGG-3'
Protein context (NP_000483.3, residues 1265-1285): GEIQIDGVSW[Asp1275Glu]SITLQQWRKA

ClinVar aggregate classification (germline): Uncertain significance (1 of 4 stars; one submission).

Conditions:
Cystic fibrosis (CF). Also called: MUCOVISCIDOSIS. Identifiers: Orphanet 586, MedGen C0010674, MONDO:0009061, OMIM 219700. Disease mechanism: loss of function.

Submission:

Ambry Genetics
Classification: Uncertain significance for Cystic fibrosis. Last evaluated: 2025-10-05. Review status: criteria provided, single submitter. Criteria: Ambry Variant Classification Scheme 2023. Collection method: clinical testing. Allele origin: germline.
Comment: The p.D1275E variant (also known as c.3825T>A), located in coding exon 23 of the CFTR gene, results from a T to A substitution at nucleotide position 3825. The aspartic acid at codon 1275 is replaced by glutamic acid, an amino acid with highly similar properties. This amino acid position is conserved. In addition, the in silico prediction for this alteration is inconclusive. Based on the available evidence, the clinical significance of this variant remains unclear.